The following is an entry in ClinVar:

ClinVar aggregate classification (germline): Likely benign (1 of 4 stars; one submission).

Allele frequency attached by ClinVar (database versions not stated): 1000 Genomes Project 0.00060; 1000 Genomes Project 30x 0.00078; ExAC 0.00377; TOPMed 0.00469; gnomAD 0.00512; ESP Exome Variant Server 0.00569; gnomAD exomes 0.00849.
gnomAD v4.1: 12,452 of 1,551,776 alleles (0.8%); highest among the groups gnomAD compares: Non-Finnish European, 1%; 75 homozygotes.

Submission:

CeGaT Center for Human Genetics Tuebingen
Classification: Likely benign. Last evaluated: 2023-04-01. Review status: criteria provided, single submitter. Criteria: CeGaT Center For Human Genetics Tuebingen Variant Classification Criteria Version 2. Collection method: clinical testing. Allele origin: germline. Affected: yes. Observed: 1 variant allele.
Comment: SSC5D: BP4, BS2

NM_001144950.2(SSC5D):c.1802C>T (p.Ala601Val)

Gene: SSC5D (scavenger receptor cysteine rich family member with 5 domains; plus strand). Cytogenetic location: 19q13.42.
Variant type: single nucleotide variant.
Coding change: c.1802C>T on transcript NM_001144950.2 (MANE Select); coding-DNA position 1802, C replaced by T.
Protein change: p.Ala601Val; replaces alanine 601 with valine.
Molecular consequence: missense variant.
Genome position (GRCh38, 1-based): chr19:55,499,912, C>T. VCF-style: chr19-55499912-C-T. GRCh37 (hg19) VCF-style: chr19-56011279-C-T.
Other names: c.1802C>T, p.Ala601Val (NM_001195267.2); short protein forms A601V.
Identifiers: ClinVar variation 2650528 (VCV002650528.24), dbSNP rs35651406, ClinGen allele CA9676523.